The following is an entry in ClinVar:

NM_001253852.3(AP4B1):c.219C>T (p.Cys73=)

Gene: AP4B1 (adaptor related protein complex 4 subunit beta 1; minus strand). Cytogenetic location: 1p13.2.
Variant type: single nucleotide variant.
Coding change: c.219C>T on transcript NM_001253852.3 (MANE Select); coding-DNA position 219, C replaced by T.
Protein change: p.Cys73=; no amino-acid change (cysteine 73 retained).
Molecular consequence: synonymous variant. On other transcripts: intron variant (2).
Genome position (GRCh38, 1-based): chr1:113,902,757, G>A on the plus strand (C>T on the coding strand, the complement: AP4B1 is on the minus strand). VCF-style: chr1-113902757-G-A. GRCh37 (hg19) VCF-style: chr1-114445379-G-A.
Other names: c.219C>T, p.Cys73= (NM_006594.5); c.-56-23C>T (NM_001253853.3); c.113+1848C>T (NM_001308312.2).
Identifiers: ClinVar variation 2582859 (VCV002582859.25), dbSNP rs2101044378, ClinGen allele CA419704053.

ClinVar aggregate classification (germline): Likely benign (1 of 4 stars; one submission).

Allele frequency attached by ClinVar (database versions not stated): gnomAD exomes below 0.00001.
gnomAD v4.1: 5 of 1,614,174 alleles (0.00031%); highest among the groups gnomAD compares: Non-Finnish European, 0.00042%; no homozygotes.

Submission:

CeGaT Center for Human Genetics Tuebingen
Classification: Likely benign. Last evaluated: 2024-08-01. Review status: criteria provided, single submitter. Criteria: CeGaT Center For Human Genetics Tuebingen Variant Classification Criteria Version 2. Collection method: clinical testing. Allele origin: germline. Affected: yes. Observed: 2 variant alleles.
Comment: AP4B1: BP4, BP7